The following is an entry in ClinVar:

NM_020821.3(VPS13C):c.511A>G (p.Lys171Glu)

Gene: VPS13C (vacuolar protein sorting 13 homolog C; minus strand). Cytogenetic location: 15q22.2.
Variant type: single nucleotide variant.
Coding change: c.511A>G on transcript NM_020821.3 (MANE Select); coding-DNA position 511, A replaced by G.
Protein change: p.Lys171Glu; replaces lysine 171 with glutamic acid.
Molecular consequence: missense variant. On other transcripts: intron variant (2).
Genome position (GRCh38, 1-based): chr15:62,023,783, T>C on the plus strand (A>G on the coding strand, the complement: VPS13C is on the minus strand). VCF-style: chr15-62023783-T-C. GRCh37 (hg19) VCF-style: chr15-62315982-T-C.
Other names: p.Lys171Glu; c.511A>G, p.Lys171Glu (NM_001018088.3); c.386-263A>G (NM_017684.5, NM_018080.4); short protein forms K171E.
Identifiers: ClinVar variation 773747 (VCV000773747.18), dbSNP rs150832196, ClinGen allele CA7597505.
Genomic context (GRCh38, chr15:62,023,783, plus strand): 5'-GAAATAAAGTGGCAATGTGTATAAACAACACCATGGCATAAAACTACTTTTACCTACCTT[T>C]TGAACGATCAAGACCTTTAAAAGGTTTCTTAAAATGTTTTTTGTGCTTTTTACGTTTACG-3'
Protein context (NP_065872.1, residues 161-181): KKPFKGLDRS[Lys171Glu]DKPKEAKKDT

ClinVar aggregate classification (germline): Benign/Likely benign. Review status: criteria provided, multiple submitters, no conflicts (2 of 4 stars). 6 submissions from 6 submitters: Benign (1); Likely benign (4). 1 of the submissions does not count toward it. Last evaluated 2026-02-01.

Conditions:
VPS13C-related disorder. Also called: VPS13C-related condition.

Allele frequency attached by ClinVar (database versions not stated): ESP Exome Variant Server 0.00046; 1000 Genomes Project 30x 0.00047; 1000 Genomes Project 0.00060; TOPMed 0.00067; gnomAD exomes 0.00091 and 0.00107; gnomAD 0.00095 and 0.00101; ExAC 0.00118.
gnomAD v4.1: 1,496 of 1,610,110 alleles (0.093%); highest among the groups gnomAD compares: Non-Finnish European, 0.088%; 4 homozygotes.

Submissions (6):

CeGaT Center for Human Genetics Tuebingen
Classification: Likely benign. Last evaluated: 2026-02-01. Review status: criteria provided, single submitter. Criteria: CeGaT Center For Human Genetics Tuebingen Variant Classification Criteria Version 2. Collection method: clinical testing. Allele origin: germline. Affected: yes. Observed: 1 variant allele.
Comment: VPS13C: BS2

Labcorp Genetics (formerly Invitae), Labcorp
Classification: Likely benign. Last evaluated: 2026-01-15. Review status: criteria provided, single submitter. Criteria: Invitae Variant Classification Sherloc (09022015). Collection method: clinical testing. Allele origin: germline.

Mayo Clinic Laboratories, Mayo Clinic
Classification: Benign. Last evaluated: 2025-01-02. Review status: criteria provided, single submitter. Criteria: ACMG Guidelines, 2015. Collection method: clinical testing. Allele origin: germline. Observed: 1 variant allele.
Comment: BA1, BP4_moderate

Blueprint Genetics
Classification: Likely benign. Last evaluated: 2024-10-21. Review status: criteria provided, single submitter. Criteria: ACMG Guidelines, 2015. Collection method: clinical testing. Allele origin: germline.

Breakthrough Genomics
Classification: Likely benign. Review status: criteria provided, single submitter. Criteria: ACMG Guidelines, 2015. Collection method: not provided. Allele origin: germline. Inheritance: Autosomal recessive inheritance. Affected: yes.

PreventionGenetics, part of Exact Sciences
Classification: Likely benign for VPS13C-related condition. Last evaluated: 2023-05-05. Review status: no assertion criteria provided. Collection method: clinical testing. Allele origin: germline. Not counted in ClinVar's aggregate classification.
Comment: This variant is classified as likely benign based on ACMG/AMP sequence variant interpretation guidelines (Richards et al. 2015 PMID: 25741868, with internal and published modifications).

Literature cited by the submitters: PubMed 33579389 (cited by Mayo Clinic Laboratories, Mayo Clinic).